The following is an entry in ClinVar:

NM_001358263.1(HK1):c.75+5182G>C

Gene: HK1 (hexokinase 1; plus strand). Cytogenetic location: 10q22.1.
Variant type: single nucleotide variant.
Coding change: c.75+5182G>C on transcript NM_001358263.1 (MANE Plus Clinical); 5182 bases into the intron after coding-DNA position 75, G replaced by C.
Molecular consequence: intron variant. On other transcripts: splice donor variant (1).
Genome position (GRCh38, 1-based): chr10:69,300,862, G>C. VCF-style: chr10-69300862-G-C. GRCh37 (hg19) VCF-style: chr10-71060618-G-C.
Other names: c.168+5182G>C (NM_001322365.2); c.75+5182G>C (NM_033498.3, NM_033497.3, NM_001322364.2); c.27+1G>C (NM_033500.2).
Identifiers: ClinVar variation 3034558 (VCV003034558.3), dbSNP rs753241777, ClinGen allele CA5532135.

ClinVar aggregate classification (germline): Uncertain significance. Review status: criteria provided, single submitter (1 of 4 stars). 2 submissions from 2 submitters: Uncertain significance (1). 1 of the submissions does not count toward it. Last evaluated 2024-10-16.

Conditions:
HK1-related disorder. Also called: HK1-related disorders; HK1-related condition.

Submissions (2):

Blueprint Genetics
Classification: Uncertain significance. Last evaluated: 2024-10-16. Review status: criteria provided, single submitter. Criteria: ACMG Guidelines, 2015. Collection method: clinical testing. Allele origin: germline.

PreventionGenetics, part of Exact Sciences
Classification: Uncertain significance for HK1-related condition. Last evaluated: 2023-12-18. Review status: no assertion criteria provided. Collection method: clinical testing. Allele origin: germline. Not counted in ClinVar's aggregate classification.
Comment: The HK1 c.27+1G>C variant is predicted to disrupt the GT donor site and interfere with normal splicing. This variant has been reported in an individual with autosomal dominant retinitis pigmentosa (Table S4, Kim et al. 2021. PubMed ID: 33946315). This variant is reported in 0.010% of alleles in individuals of East Asian descent in gnomAD. Loss of function variants in HK1 are not a well-established mechanism of disease. At this time, the clinical significance of this variant is uncertain due to the absence of conclusive functional and genetic evidence.